The following is an entry in ClinVar:

ClinVar aggregate classification (germline): Likely benign. Review status: criteria provided, multiple submitters, no conflicts (2 of 4 stars). 3 submissions from 3 submitters: Likely benign (3). Last evaluated 2026-02-06.

Conditions:
ABCC6-related disorder. Also called: ABCC6-related condition.

Allele frequency attached by ClinVar (database versions not stated): TOPMed 0.00002.
gnomAD v4.1: 1 of 1,613,388 alleles (0.000062%); no homozygotes.

Submissions (3):

PreventionGenetics, part of Exact Sciences
Classification: Likely benign for ABCC6-related condition. Last evaluated: 2026-02-06. Review status: criteria provided, single submitter. Criteria: ACMG Guidelines, 2015. Collection method: clinical testing. Allele origin: germline.
Comment: This variant is classified as likely benign based on ACMG/AMP sequence variant interpretation guidelines (Richards et al. 2015 PMID: 25741868, with internal and published modifications).

Labcorp Genetics (formerly Invitae), Labcorp
Classification: Likely benign. Last evaluated: 2025-03-27. Review status: criteria provided, single submitter. Criteria: Invitae Variant Classification Sherloc (09022015). Collection method: clinical testing. Allele origin: germline.

Blueprint Genetics
Classification: Likely benign. Last evaluated: 2023-05-11. Review status: criteria provided, single submitter. Criteria: ACMG Guidelines, 2015. Collection method: clinical testing. Allele origin: germline.

NM_001171.6(ABCC6):c.3315T>C (p.Tyr1105=)

Gene: ABCC6 (ATP binding cassette subfamily C member 6; minus strand). Cytogenetic location: 16p13.11.
Variant type: single nucleotide variant.
Coding change: c.3315T>C on transcript NM_001171.6 (MANE Select); coding-DNA position 3315, T replaced by C.
Protein change: p.Tyr1105=; no amino-acid change (tyrosine 1105 retained).
Molecular consequence: synonymous variant.
Genome position (GRCh38, 1-based): chr16:16,163,184, A>G on the plus strand (T>C on the coding strand, the complement: ABCC6 is on the minus strand). VCF-style: chr16-16163184-A-G. GRCh37 (hg19) VCF-style: chr16-16257041-A-G.
Other names: c.2973T>C, p.Tyr991= (NM_001351800.1); c.3315T>C (NM_001171.5).
Identifiers: ClinVar variation 1596934 (VCV001596934.10), dbSNP rs1268592638, ClinGen allele CA493799114.